The following is an entry in ClinVar:

NM_004523.4(KIF11):c.3166C>A (p.Leu1056Ile)

Gene: KIF11 (kinesin family member 11; plus strand). Cytogenetic location: 10q23.33.
Variant type: single nucleotide variant.
Coding change: c.3166C>A on transcript NM_004523.4 (MANE Select); coding-DNA position 3166, C replaced by A.
Protein change: p.Leu1056Ile; replaces leucine 1056 with isoleucine.
Molecular consequence: missense variant.
Genome position (GRCh38, 1-based): chr10:92,653,791, C>A. VCF-style: chr10-92653791-C-A. GRCh37 (hg19) VCF-style: chr10-94413548-C-A.
Other names: c.3166C>A (NM_004523.3); short protein forms L1056I.
Identifiers: ClinVar variation 1503214 (VCV001503214.6), dbSNP rs1845014504, ClinGen allele CA377808799.

ClinVar aggregate classification (germline): Uncertain significance. Review status: criteria provided, multiple submitters, no conflicts (2 of 4 stars). 2 submissions from 2 submitters: Uncertain significance (2). Last evaluated 2024-10-31.

Conditions:
Inborn genetic diseases. Identifiers: MedGen C0950123, MeSH D030342.

gnomAD v4.1: 1 of 1,605,130 alleles (0.000062%); highest among the groups gnomAD compares: Admixed American, 0.0018%; no homozygotes.

Submissions (2):

Labcorp Genetics (formerly Invitae), Labcorp
Classification: Uncertain significance. Last evaluated: 2024-10-31. Review status: criteria provided, single submitter. Criteria: Invitae Variant Classification Sherloc (09022015). Collection method: clinical testing. Allele origin: germline.
Comment: This sequence change replaces leucine, which is neutral and non-polar, with isoleucine, which is neutral and non-polar, at codon 1056 of the KIF11 protein (p.Leu1056Ile). This variant is not present in population databases (gnomAD no frequency). This variant has not been reported in the literature in individuals affected with KIF11-related conditions. ClinVar contains an entry for this variant (Variation ID: 1503214). Invitae Evidence Modeling of protein sequence and biophysical properties (such as structural, functional, and spatial information, amino acid conservation, physicochemical variation, residue mobility, and thermodynamic stability) indicates that this missense variant is not expected to disrupt KIF11 protein function with a negative predictive value of 95%. In summary, the available evidence is currently insufficient to determine the role of this variant in disease. Therefore, it has been classified as a Variant of Uncertain Significance.

Ambry Genetics
Classification: Uncertain significance for Inborn genetic diseases. Last evaluated: 2023-08-15. Review status: criteria provided, single submitter. Criteria: Ambry Variant Classification Scheme 2023. Collection method: clinical testing. Allele origin: germline.